The following is an entry in ClinVar:

ClinVar aggregate classification (germline): Uncertain significance. Review status: criteria provided, multiple submitters, no conflicts (2 of 4 stars). 2 submissions from 2 submitters: Uncertain significance (2). Last evaluated 2023-03-20.

Conditions:
Inborn genetic diseases. Identifiers: MedGen C0950123, MeSH D030342.

Allele frequency attached by ClinVar (database versions not stated): gnomAD exomes below 0.00001; TOPMed 0.00001.

Submissions (2):

Ambry Genetics
Classification: Uncertain significance for Inborn genetic diseases. Last evaluated: 2023-03-20. Review status: criteria provided, single submitter. Criteria: Ambry Variant Classification Scheme 2023. Collection method: clinical testing. Allele origin: germline.

CeGaT Center for Human Genetics Tuebingen
Classification: Uncertain significance. Last evaluated: 2022-05-01. Review status: criteria provided, single submitter. Criteria: CeGaT Center For Human Genetics Tuebingen Variant Classification Criteria Version 2. Collection method: clinical testing. Allele origin: germline. Affected: yes. Observed: 1 variant allele.
Comment: NOTCH3: PM2, PP2

NM_000435.3(NOTCH3):c.3542C>T (p.Thr1181Ile)

Gene: NOTCH3 (notch receptor 3; minus strand). Cytogenetic location: 19p13.12.
Variant type: single nucleotide variant.
Coding change: c.3542C>T on transcript NM_000435.3 (MANE Select); coding-DNA position 3542, C replaced by T.
Protein change: p.Thr1181Ile; replaces threonine 1181 with isoleucine.
Molecular consequence: missense variant.
Genome position (GRCh38, 1-based): chr19:15,179,201, G>A on the plus strand (C>T on the coding strand, the complement: NOTCH3 is on the minus strand). VCF-style: chr19-15179201-G-A. GRCh37 (hg19) VCF-style: chr19-15290012-G-A.
Other names: c.3542C>T (NM_000435.2); short protein forms T1181I.
Identifiers: ClinVar variation 1694902 (VCV001694902.33), dbSNP rs1216306549, ClinGen allele CA404511053.
Genomic context (GRCh38, chr19:15,179,201, plus strand): 5'-CGCAAACCAGTGTATCCTGGGGGACAGGTGCAGCGGAAACCACCCACCAGGTCCACGCAG[G>A]TGCCATTGTGTAGGCACCGGGGCCCTGAGTCCAGCGGTGGGCCTGGGCCGCAGTCATCCT-3'
Protein context (NP_000426.2, residues 1171-1191): DSGPRCLHNG[Thr1181Ile]CVDLVGGFRC